The following is an entry in ClinVar:

ClinVar aggregate classification (germline): Benign/Likely benign. Review status: criteria provided, multiple submitters, no conflicts (2 of 4 stars). 5 submissions from 5 submitters: Benign (3); Likely benign (1). 1 of the submissions does not count toward it. Last evaluated 2026-01-27.

Conditions:
Usher syndrome, type 4. Also called: USHER SYNDROME, TYPE IV. Identifiers: MedGen C4748364, MONDO:0029141, OMIM 618144.
ARSG-related disorder. Also called: ARSG-related condition.

Allele frequency attached by ClinVar (database versions not stated): gnomAD exomes 0.00378 and 0.00386; ExAC 0.00391; gnomAD 0.00531 and 0.00536; ESP Exome Variant Server 0.00569; TOPMed 0.00574; 1000 Genomes Project 0.00679; 1000 Genomes Project 30x 0.00750.
gnomAD v4.1: 6,460 of 1,613,664 alleles (0.4%); highest among the groups gnomAD compares: African/African-American, 1.1%; 22 homozygotes.

Submissions (5):

Labcorp Genetics (formerly Invitae), Labcorp
Classification: Benign. Last evaluated: 2026-01-27. Review status: criteria provided, single submitter. Criteria: Invitae Variant Classification Sherloc (09022015). Collection method: clinical testing. Allele origin: germline.

CeGaT Center for Human Genetics Tuebingen
Classification: Benign. Last evaluated: 2025-07-01. Review status: criteria provided, single submitter. Criteria: CeGaT Center For Human Genetics Tuebingen Variant Classification Criteria Version 2. Collection method: clinical testing. Allele origin: germline. Affected: yes. Observed: 4 variant alleles.
Comment: ARSG: BP4, BS1, BS2

Fulgent Genetics
Classification: Likely benign for Usher syndrome, type 4. Last evaluated: 2021-08-11. Review status: criteria provided, single submitter. Criteria: ACMG Guidelines, 2015. Collection method: clinical testing. Allele origin: unknown.

Breakthrough Genomics
Classification: Benign. Review status: criteria provided, single submitter. Criteria: ACMG Guidelines, 2015. Collection method: not provided. Allele origin: germline. Inheritance: Autosomal recessive inheritance. Affected: yes.

PreventionGenetics, part of Exact Sciences
Classification: Benign for ARSG-related condition. Last evaluated: 2019-05-02. Review status: no assertion criteria provided. Collection method: clinical testing. Allele origin: germline. Not counted in ClinVar's aggregate classification.
Comment: This variant is classified as benign based on ACMG/AMP sequence variant interpretation guidelines (Richards et al. 2015 PMID: 25741868, with internal and published modifications).

NM_001267727.2(ARSG):c.1092-5C>T

Gene: ARSG (arylsulfatase G; plus strand). Cytogenetic location: 17q24.2.
Variant type: single nucleotide variant.
Coding change: c.1092-5C>T on transcript NM_001267727.2 (MANE Select); 5 bases into the intron before coding-DNA position 1092, C replaced by T.
Molecular consequence: intron variant.
Genome position (GRCh38, 1-based): chr17:68,395,068, C>T. VCF-style: chr17-68395068-C-T. GRCh37 (hg19) VCF-style: chr17-66391209-C-T.
Other names: c.1089-5C>T (NM_001352904.2, NM_001352903.2, NM_001352905.2 and 2 more transcripts); c.1092-5C>T (NM_014960.5, NM_001352910.2, NM_001352899.2 and 3 more transcripts); c.1044-5C>T (NM_001352909.2).
Identifiers: ClinVar variation 782609 (VCV000782609.38), dbSNP rs111385660, ClinGen allele CA8728482.